The following is an entry in ClinVar:

NM_001384140.1(PCDH15):c.1438del (p.Ser480fs)

Gene: PCDH15 (protocadherin related 15; minus strand). Cytogenetic location: 10q21.1.
Variant type: Deletion.
Coding change: c.1438del on transcript NM_001384140.1 (MANE Select); coding-DNA position 1438, one base deleted (T; older notation c.1438delT).
Protein change: p.Ser480fs; shifts the reading frame from serine 480.
Molecular consequence: frameshift variant.
Genome position (GRCh38, 1-based): chr10:54,185,136, A deleted on the plus strand (T on the coding strand, the reverse complement: PCDH15 is on the minus strand); the first of 4 consecutive A bases (chr10:54,185,136-54,185,139); deleting any one gives the same sequence. VCF-style (leftmost placement, unchanged base first): chr10-54185135-GA-G. GRCh37 (hg19) VCF-style: chr10-55944895-GA-G.
Other names: c.1453del, p.Ser485fs (NM_001142763.2, NM_001142771.2); c.1438del, p.Ser480fs (NM_001142764.2, NM_001142765.2, NM_001142766.2 and 6 more transcripts); c.1327del, p.Ser443fs (NM_001142767.2); c.1372del, p.Ser458fs (NM_001142768.2, NM_001142773.2, NM_001354404.2); c.1471delT, p.Ser492Argfs (NM_001142769.4); c.1459del, p.Ser487fs (NM_001354411.2); short protein forms S443fs, S458fs, S480fs, S485fs, S487fs, S492fs.
Identifiers: ClinVar variation 5016176 (VCV005016176.1).

ClinVar aggregate classification (germline): Pathogenic (1 of 4 stars; one submission).

Conditions:
Usher syndrome type 1F (USH1F). Also called: USHER SYNDROME, TYPE IF. Identifiers: Orphanet 231169, Orphanet 886, MedGen C1865885, MONDO:0011186, OMIM 602083.

Submission:

Myriad Genetics, Inc.
Classification: Pathogenic for Usher syndrome type 1F. Last evaluated: 2025-09-03. Review status: criteria provided, single submitter. Criteria: Myriad Autosomal Dominant, Autosomal Recessive and X-Linked Classification Criteria (2023). Collection method: clinical testing. Allele origin: unknown.
Comment: NM_033056.3(PCDH15):c.1438delT(S480Rfs*2) is expected to be pathogenic in the context of PCDH15-related disorders. This variant is predicted to lead to an abnormal or absent protein product due to the creation of a premature termination codon in PCDH15, a gene where loss-of-function variants are known to be pathogenic. Please note: this variant was assessed in the context of healthy population screening.